The following is an entry in ClinVar:

ClinVar aggregate classification (germline): Benign/Likely benign. Review status: criteria provided, multiple submitters, no conflicts (2 of 4 stars). 9 submissions from 9 submitters: Benign (8); Likely benign (1). Last evaluated 2026-02-04.

Conditions:
Aicardi-Goutieres syndrome 4. Identifiers: Orphanet 51, MedGen C1835912, MONDO:0012472, OMIM 610333.

Allele frequency attached by ClinVar (database versions not stated): gnomAD exomes 0.03655 and 0.04738; ExAC 0.04656; 1000 Genomes Project 0.06270; gnomAD 0.06653 and 0.06913; 1000 Genomes Project 30x 0.06871; ESP Exome Variant Server 0.06889; TOPMed 0.07418.
gnomAD v4.1: 63,844 of 1,614,024 alleles (4%); highest among the groups gnomAD compares: African/African-American, 15%; 1,946 homozygotes.

Submissions (22):

Labcorp Genetics (formerly Invitae), Labcorp
Classification: Benign for Aicardi-Goutieres syndrome 4. Last evaluated: 2026-02-04. Review status: criteria provided, single submitter. Criteria: Invitae Variant Classification Sherloc (09022015). Collection method: clinical testing. Allele origin: germline.

Women's Health and Genetics/Laboratory Corporation of America, LabCorp
Classification: Benign. Last evaluated: 2026-01-21. Review status: criteria provided, single submitter. Criteria: LabCorp Variant Classification Summary - May 2015. Collection method: clinical testing. Allele origin: germline.

Blueprint Genetics
Classification: Likely benign. Last evaluated: 2024-11-28. Review status: criteria provided, single submitter. Criteria: ACMG Guidelines, 2015. Collection method: clinical testing. Allele origin: germline.

Unidad de Genómica Garrahan, Hospital de Pediatría Garrahan
Classification: Benign. Last evaluated: 2023-11-12. Review status: criteria provided, single submitter. Criteria: ACMG Guidelines, 2015. Collection method: clinical testing. Allele origin: germline. Affected: no. Observed: 19 variant alleles.
Comment: This variant is classified as Benign based on local population frequency. This variant was detected in 20% of patients studied by a panel of primary immunodeficiencies. Number of patients: 19. Only high quality variants are reported.

Illumina Laboratory Services, Illumina
Classification: Benign for Aicardi-Goutieres syndrome 4. Last evaluated: 2018-01-12. Review status: criteria provided, single submitter. Criteria: ICSL Variant Classification Criteria 13 December 2019. Collection method: clinical testing. Allele origin: germline.
Comment: This variant was observed in the ICSL laboratory as part of a predisposition screen in an ostensibly healthy population. It had not been previously curated by ICSL or reported in the Human Gene Mutation Database (HGMD: prior to June 1st, 2018), and was therefore a candidate for classification through an automated scoring system. Utilizing variant allele frequency, disease prevalence and penetrance estimates, and inheritance mode, an automated score was calculated to assess if this variant is too frequent to cause the disease. Based on the score and internal cut-off values, a variant classified as benign is not then subjected to further curation. The score for this variant resulted in a classification of benign for this disease.

Laboratory for Molecular Medicine, Mass General Brigham Personalized Medicine
Classification: Benign. Last evaluated: 2016-03-29. Review status: criteria provided, single submitter. Criteria: LMM Criteria. Collection method: clinical testing. Allele origin: germline.
Comment: Variant identified in a genome or exome case(s) and assessed due to predicted null impact of the variant or pathogenic assertions in the literature or databases. Disclaimer: This variant has not undergone full assessment. The following are preliminary notes: Frequency

GeneDx
Classification: Benign. Last evaluated: 2015-03-03. Review status: criteria provided, single submitter. Criteria: GeneDx Variant Classification Process June 2021. Collection method: clinical testing. Allele origin: germline. Affected: yes.

Breakthrough Genomics
Classification: Benign. Review status: criteria provided, single submitter. Criteria: ACMG Guidelines, 2015. Collection method: not provided. Allele origin: germline. Inheritance: Autosomal recessive inheritance. Affected: yes.

PreventionGenetics, part of Exact Sciences
Classification: Benign. Review status: criteria provided, single submitter. Criteria: ACMG Guidelines, 2015. Collection method: clinical testing. Allele origin: germline.

Dr. Peter K. Rogan Lab, Western University
No classification provided (evidence only). Condition: Clear cell carcinoma of kidney. Review status: no classification provided. Collection method: in vitro. Allele origin: not applicable. Functional consequence: retained intron. Not counted in ClinVar's aggregate classification.

Dr. Peter K. Rogan Lab, Western University
No classification provided (evidence only). Condition: Clear cell carcinoma of kidney. Review status: no classification provided. Collection method: in vitro. Allele origin: not applicable. Functional consequence: retained intron. Not counted in ClinVar's aggregate classification.

Dr. Peter K. Rogan Lab, Western University
No classification provided (evidence only). Condition: Acute myeloid leukemia. Review status: no classification provided. Collection method: in vitro. Allele origin: not applicable. Functional consequence: retained intron. Not counted in ClinVar's aggregate classification.

Dr. Peter K. Rogan Lab, Western University
No classification provided (evidence only). Condition: Acute myeloid leukemia. Review status: no classification provided. Collection method: in vitro. Allele origin: not applicable. Functional consequence: retained intron. Not counted in ClinVar's aggregate classification.

Dr. Peter K. Rogan Lab, Western University
No classification provided (evidence only). Condition: Acute myeloid leukemia. Review status: no classification provided. Collection method: in vitro. Allele origin: not applicable. Functional consequence: retained intron. Not counted in ClinVar's aggregate classification.

Dr. Peter K. Rogan Lab, Western University
No classification provided (evidence only). Condition: Uterine corpus endometrial carcinoma. Review status: no classification provided. Collection method: in vitro. Allele origin: not applicable. Functional consequence: retained intron. Not counted in ClinVar's aggregate classification.

Dr. Peter K. Rogan Lab, Western University
No classification provided (evidence only). Condition: Uterine corpus endometrial carcinoma. Review status: no classification provided. Collection method: in vitro. Allele origin: not applicable. Functional consequence: retained intron. Not counted in ClinVar's aggregate classification.

Dr. Peter K. Rogan Lab, Western University
No classification provided (evidence only). Condition: Uterine corpus endometrial carcinoma. Review status: no classification provided. Collection method: in vitro. Allele origin: not applicable. Functional consequence: retained intron. Not counted in ClinVar's aggregate classification.

Dr. Peter K. Rogan Lab, Western University
No classification provided (evidence only). Condition: Thymoma. Review status: no classification provided. Collection method: in vitro. Allele origin: not applicable. Functional consequence: retained intron. Not counted in ClinVar's aggregate classification.

Dr. Peter K. Rogan Lab, Western University
No classification provided (evidence only). Condition: Thymoma. Review status: no classification provided. Collection method: in vitro. Allele origin: not applicable. Functional consequence: skipped exon, retained intron. Not counted in ClinVar's aggregate classification.

Dr. Peter K. Rogan Lab, Western University
No classification provided (evidence only). Condition: Cholangiocarcinoma. Review status: no classification provided. Collection method: in vitro. Allele origin: not applicable. Functional consequence: retained intron. Not counted in ClinVar's aggregate classification.

Dr. Peter K. Rogan Lab, Western University
No classification provided (evidence only). Condition: Malignant tumor of esophagus. Review status: no classification provided. Collection method: in vitro. Allele origin: not applicable. Functional consequence: retained intron. Not counted in ClinVar's aggregate classification.

Dr. Peter K. Rogan Lab, Western University
No classification provided (evidence only). Condition: Malignant tumor of esophagus. Review status: no classification provided. Collection method: in vitro. Allele origin: not applicable. Functional consequence: retained intron. Not counted in ClinVar's aggregate classification.

NM_006397.3(RNASEH2A):c.550-11T>C

Gene: RNASEH2A (ribonuclease H2 subunit A; plus strand). Cytogenetic location: 19p13.13.
Variant type: single nucleotide variant.
Coding change: c.550-11T>C on transcript NM_006397.3 (MANE Select); 11 bases into the intron before coding-DNA position 550, T replaced by C.
Molecular consequence: intron variant.
Genome position (GRCh38, 1-based): chr19:12,810,306, T>C. VCF-style: chr19-12810306-T-C. GRCh37 (hg19) VCF-style: chr19-12921120-T-C.
Identifiers: ClinVar variation 259973 (VCV000259973.26), dbSNP rs7247253, ClinGen allele CA9231947.
Genomic context (GRCh38, chr19:12,810,306, plus strand): 5'-CCACTATATAGGGGCCAGGCATGGCCACCAAAGGGAAGGAGGGAGATTCCAGGTGCCTGT[T>C]TTGCCCACAGGTGGCCCGGGACCAGGCCGTGAAGAAATGGCAGTTCGTGGAGAAACTGCA-3'